The following is an entry in ClinVar:

NM_052947.4(ALPK2):c.6362G>A (p.Cys2121Tyr)

Gene: ALPK2 (alpha kinase 2; minus strand). Cytogenetic location: 18q21.31.
Variant type: single nucleotide variant.
Coding change: c.6362G>A on transcript NM_052947.4 (MANE Select); coding-DNA position 6362, G replaced by A.
Protein change: p.Cys2121Tyr; replaces cysteine 2121 with tyrosine.
Molecular consequence: missense variant.
Genome position (GRCh38, 1-based): chr18:58,481,974, C>T on the plus strand (G>A on the coding strand, the complement: ALPK2 is on the minus strand). VCF-style: chr18-58481974-C-T. GRCh37 (hg19) VCF-style: chr18-56149206-C-T.
Other names: short protein forms C2121Y.
Identifiers: ClinVar variation 3531523 (VCV003531523.1).

ClinVar aggregate classification (germline): Uncertain significance (1 of 4 stars; one submission).

Submission:

Ambry Genetics
Classification: Uncertain significance. Last evaluated: 2024-09-16. Review status: criteria provided, single submitter. Criteria: Ambry Variant Classification Scheme 2023. Collection method: clinical testing. Allele origin: germline.
Comment: The p.C2121Y variant (also known as c.6362G>A), located in coding exon 12 of the ALPK2 gene, results from a G to A substitution at nucleotide position 6362. The cysteine at codon 2121 is replaced by tyrosine, an amino acid with highly dissimilar properties. This amino acid position is conserved. In addition, this alteration is predicted to be deleterious by in silico analysis. Based on the available evidence, the clinical significance of this variant remains unclear.